The following is an entry in ClinVar:

ClinVar aggregate classification (germline): Pathogenic (1 of 4 stars; one submission).

Conditions:
Osteogenesis imperfecta type I (OI1). Also called: Osteogenesis imperfecta type 1; Lobstein's Disease; Lobstein disease; Classic Non-deforming Osteogenesis Imperfecta with Blue Sclerae; OI, TYPE I; OSTEOGENESIS IMPERFECTA TARDA. Identifiers: Orphanet 216796, Orphanet 666, MedGen C0023931, MONDO:0008146, OMIM 166200. Disease mechanism: loss of function.

Submission:

Labcorp Genetics (formerly Invitae), Labcorp
Classification: Pathogenic for Osteogenesis imperfecta type I. Last evaluated: 2025-02-15. Review status: criteria provided, single submitter. Criteria: Invitae Variant Classification Sherloc (09022015). Collection method: clinical testing. Allele origin: germline.
Comment: This sequence change creates a premature translational stop signal (p.Gly971Glufs*138) in the COL1A1 gene. It is expected to result in an absent or disrupted protein product. Loss-of-function variants in COL1A1 are known to be pathogenic (PMID: 7942841, 9295084, 9443882). This variant is not present in population databases (gnomAD no frequency). This premature translational stop signal has been observed in individual(s) with osteogenesis imperfecta (PMID: 32034735). For these reasons, this variant has been classified as Pathogenic.

Literature cited by the submitters: PubMed 7942841; PubMed 9295084; PubMed 9443882; PubMed 32034735.

NM_000088.4(COL1A1):c.2910_2911dup (p.Gly971fs)

Gene: COL1A1 (collagen type I alpha 1 chain; minus strand). Cytogenetic location: 17q21.33.
Variant type: Microsatellite.
Coding change: c.2910_2911dup on transcript NM_000088.4 (MANE Select); coding-DNA positions 2910 to 2911, 2 bases duplicated (AG; older notation c.2910_2911dupAG).
Protein change: p.Gly971fs; shifts the reading frame from glycine 971.
Molecular consequence: frameshift variant.
Genome position (GRCh38, 1-based): chr17:50,189,194-50,189,195, CT duplicated on the plus strand (AG on the coding strand, the reverse complement: COL1A1 is on the minus strand); duplicating any 2 consecutive bases within chr17:50,189,194-50,189,202 gives the same sequence; the c. name uses the placement nearest the transcript's 3' end. VCF-style (leftmost placement, unchanged base first): chr17-50189193-C-CCT. GRCh37 (hg19) VCF-style: chr17-48266554-C-CCT.
Other names: short protein forms G971fs.
Identifiers: ClinVar variation 4763889 (VCV004763889.1).